The following is an entry in ClinVar:

NM_003742.4(ABCB11):c.220A>G (p.Ile74Val)

Gene: ABCB11 (ATP binding cassette subfamily B member 11; minus strand). Cytogenetic location: 2q31.1.
Variant type: single nucleotide variant.
Coding change: c.220A>G on transcript NM_003742.4 (MANE Select); coding-DNA position 220, A replaced by G.
Protein change: p.Ile74Val; replaces isoleucine 74 with valine.
Molecular consequence: missense variant.
Genome position (GRCh38, 1-based): chr2:169,013,441, T>C on the plus strand (A>G on the coding strand, the complement: ABCB11 is on the minus strand). VCF-style: chr2-169013441-T-C. GRCh37 (hg19) VCF-style: chr2-169869951-T-C.
Other names: short protein forms I74V.
Identifiers: ClinVar variation 4846061 (VCV004846061.1).

ClinVar aggregate classification (germline): Uncertain significance (1 of 4 stars; one submission).

Conditions:
Familial intrahepatic cholestasis. Identifiers: Orphanet 284385, MedGen CN296401, MONDO:0017290.

Submission:

Genomenon, Inc
Classification: Uncertain significance for Familial intrahepatic cholestasis. Last evaluated: 2026-04-14. Review status: criteria provided, single submitter. Criteria: Genomenon Sequence Variant Interpretation Standards - Updated. Collection method: curation. Allele origin: germline. Affected: no.
Comment: ABCB11 p.Ile74Val (c.220A>G) is a missense variant that changes the amino acid at residue 74 from Isoleucine to Valine. This variant has been reported in the published literature (PMID:37208429). It is absent or not present at a significant frequency in gnomAD. In silico models predict that this variant is not damaging. In conclusion, we classify ABCB11 p.Ile74Val (c.220A>G) as a variant of uncertain significance.

Literature cited by the submitters: PubMed 37208429.